The following is an entry in ClinVar:

NM_031935.3(HMCN1):c.6676C>A (p.Pro2226Thr)

Gene: HMCN1 (hemicentin 1; plus strand). Cytogenetic location: 1q31.1.
Variant type: single nucleotide variant.
Coding change: c.6676C>A on transcript NM_031935.3 (MANE Select); coding-DNA position 6676, C replaced by A.
Protein change: p.Pro2226Thr; replaces proline 2226 with threonine.
Molecular consequence: missense variant.
Genome position (GRCh38, 1-based): chr1:186,053,050, C>A. VCF-style: chr1-186053050-C-A. GRCh37 (hg19) VCF-style: chr1-186022182-C-A.
Other names: short protein forms P2226T.
Identifiers: ClinVar variation 1439687 (VCV001439687.6), dbSNP rs201966093, ClinGen allele CA1292629.

ClinVar aggregate classification (germline): Uncertain significance (1 of 4 stars; one submission).

Allele frequency attached by ClinVar (database versions not stated): gnomAD 0.00003; ExAC 0.00004; TOPMed 0.00004.
gnomAD v4.1: 132 of 1,609,890 alleles (0.0082%); highest among the groups gnomAD compares: Non-Finnish European, 0.011%; no homozygotes.

Submission:

Labcorp Genetics (formerly Invitae), Labcorp
Classification: Uncertain significance. Last evaluated: 2025-01-20. Review status: criteria provided, single submitter. Criteria: Invitae Variant Classification Sherloc (09022015). Collection method: clinical testing. Allele origin: germline.
Comment: This sequence change replaces proline, which is neutral and non-polar, with threonine, which is neutral and polar, at codon 2226 of the HMCN1 protein (p.Pro2226Thr). This variant is present in population databases (rs201966093, gnomAD 0.008%). This variant has not been reported in the literature in individuals affected with HMCN1-related conditions. ClinVar contains an entry for this variant (Variation ID: 1439687). An algorithm developed to predict the effect of missense changes on protein structure and function (PolyPhen-2) suggests that this variant is likely to be disruptive. In summary, the available evidence is currently insufficient to determine the role of this variant in disease. Therefore, it has been classified as a Variant of Uncertain Significance.